The following is an entry in ClinVar:

ClinVar aggregate classification (germline): Benign/Likely benign. Review status: criteria provided, multiple submitters, no conflicts (2 of 4 stars). 2 submissions from 2 submitters: Benign (1); Likely benign (1). Last evaluated 2026-06-01.

Allele frequency attached by ClinVar (database versions not stated): gnomAD exomes 0.00101; ExAC 0.00126; gnomAD 0.00411; 1000 Genomes Project 0.00439; TOPMed 0.00461; 1000 Genomes Project 30x 0.00484; ESP Exome Variant Server 0.00484.
gnomAD v4.1: 1,178 of 1,613,746 alleles (0.073%); highest among the groups gnomAD compares: African/African-American, 1.4%; 9 homozygotes.

Submissions (2):

CeGaT Center for Human Genetics Tuebingen
Classification: Likely benign. Last evaluated: 2026-06-01. Review status: criteria provided, single submitter. Criteria: CeGaT Center For Human Genetics Tuebingen Variant Classification Criteria Version 2. Collection method: clinical testing. Allele origin: germline. Affected: yes. Observed: 2 variant alleles.
Comment: UBR1: BP4, BS1

Labcorp Genetics (formerly Invitae), Labcorp
Classification: Benign. Last evaluated: 2025-12-26. Review status: criteria provided, single submitter. Criteria: Invitae Variant Classification Sherloc (09022015). Collection method: clinical testing. Allele origin: germline.

NM_174916.3(UBR1):c.3741T>A (p.Asn1247Lys)

Gene: UBR1 (ubiquitin protein ligase E3 component n-recognin 1; minus strand). Cytogenetic location: 15q15.2.
Variant type: single nucleotide variant.
Coding change: c.3741T>A on transcript NM_174916.3 (MANE Select); coding-DNA position 3741, T replaced by A.
Protein change: p.Asn1247Lys; replaces asparagine 1247 with lysine.
Molecular consequence: missense variant.
Genome position (GRCh38, 1-based): chr15:42,998,184, A>T on the plus strand (T>A on the coding strand, the complement: UBR1 is on the minus strand). VCF-style: chr15-42998184-A-T. GRCh37 (hg19) VCF-style: chr15-43290382-A-T.
Other names: short protein forms N1247K.
Identifiers: ClinVar variation 711153 (VCV000711153.23), dbSNP rs148375509, ClinGen allele CA7518100.
Genomic context (GRCh38, chr15:42,998,184, plus strand): 5'-GACACCATCTTCACATAGCTAATATAAAATAAATTTAAGCAAACCTTTAGCATGTCTTAT[A>T]TTATAACCTGATATTCTGGCCAGAACAGTCTGTATCCACCGTGCCAGGGTCAAAAGTTGA-3'
Protein context (NP_777576.1, residues 1237-1257): QTVLARISGY[Asn1247Lys]IRHAKGENPI